The following is an entry in ClinVar:

NM_020778.5(ALPK3):c.4396G>A (p.Asp1466Asn)

Gene: ALPK3 (alpha kinase 3; plus strand). Cytogenetic location: 15q25.3.
Variant type: single nucleotide variant.
Coding change: c.4396G>A on transcript NM_020778.5 (MANE Select); coding-DNA position 4396, G replaced by A.
Protein change: p.Asp1466Asn; replaces aspartic acid 1466 with asparagine.
Molecular consequence: missense variant.
Genome position (GRCh38, 1-based): chr15:84,862,901, G>A. VCF-style: chr15-84862901-G-A. GRCh37 (hg19) VCF-style: chr15-85406132-G-A.
Other names: c.5002G>A (NM_020778.4); short protein forms D1466N.
Identifiers: ClinVar variation 2723591 (VCV002723591.4), dbSNP rs760060304, ClinGen allele CA7709946.

ClinVar aggregate classification (germline): Uncertain significance. Review status: criteria provided, multiple submitters, no conflicts (2 of 4 stars). 2 submissions from 2 submitters: Uncertain significance (2). Last evaluated 2026-04-11.

Conditions:
Cardiovascular phenotype. Identifiers: MedGen CN230736.

Allele frequency attached by ClinVar (database versions not stated): gnomAD 0.00001; gnomAD exomes 0.00001; TOPMed below 0.00001; ExAC 0.00001.
gnomAD v4.1: 11 of 1,613,612 alleles (0.00068%); highest among the groups gnomAD compares: African/African-American, 0.004%; no homozygotes.

Submissions (2):

Ambry Genetics
Classification: Uncertain significance for Cardiovascular phenotype. Last evaluated: 2026-04-11. Review status: criteria provided, single submitter. Criteria: Ambry Variant Classification Scheme 2023. Collection method: clinical testing. Allele origin: germline.

Labcorp Genetics (formerly Invitae), Labcorp
Classification: Uncertain significance. Last evaluated: 2025-12-03. Review status: criteria provided, single submitter. Criteria: Invitae Variant Classification Sherloc (09022015). Collection method: clinical testing. Allele origin: germline.
Comment: This sequence change replaces aspartic acid, which is acidic and polar, with asparagine, which is neutral and polar, at codon 1668 of the ALPK3 protein (p.Asp1668Asn). This variant is present in population databases (rs760060304, gnomAD 0.0009%). This variant has not been reported in the literature in individuals affected with ALPK3-related conditions. ClinVar contains an entry for this variant (Variation ID: 2723591). Invitae Evidence Modeling of protein sequence and biophysical properties (such as structural, functional, and spatial information, amino acid conservation, physicochemical variation, residue mobility, and thermodynamic stability) indicates that this missense variant is expected to disrupt ALPK3 protein function with a positive predictive value of 80%. In summary, the available evidence is currently insufficient to determine the role of this variant in disease. Therefore, it has been classified as a Variant of Uncertain Significance.